The following is an entry in ClinVar:

ClinVar aggregate classification (germline): Likely pathogenic (1 of 4 stars; one submission).

Conditions:
Familial X-linked hypophosphatemic vitamin D refractory rickets (XLHRD). Also called: Hypophosphatemic Rickets, X-Linked Dominant; X-Linked Hypophosphatemia; Hypophosphatemia, vitamin D-resistant rickets; Vitamin D-resistant rickets, X-linked; HYPOPHOSPHATEMIC VITAMIN D-RESISTANT RICKETS. Identifiers: Orphanet 89936, MedGen C0733682, MONDO:0010619, OMIM 307800.

Submission:

Clinical Biomedical Laboratory, Shriners Hospital For Children - Canada
Classification: Likely pathogenic for Familial X-linked hypophosphatemic vitamin D refractory rickets. Last evaluated: 2026-03-10. Review status: criteria provided, single submitter. Criteria: ACMG Guidelines, 2015. Collection method: clinical testing. Allele origin: germline. Affected: yes.
Comment: This variant affects a nucleotide in the splice region of PHEX. This variant is absent from the Genome Aggregation Database v.2.1.1). The proband phenotype is specific for hypophosphatemic rickets. SpliceAI (0.8) predicts an effect on splicing. Based on the ACMG variant interpretation guidelines, the available evidence supports classification of this variant as likely pathogenic.

NM_000444.6(PHEX):c.1768+3A>C

Genes: PHEX (phosphate regulating endopeptidase X-linked; plus strand), PTCHD1-AS (PTCHD1 and PHEX antisense RNA; minus strand). Cytogenetic location: Xp22.11.
Variant type: single nucleotide variant.
Coding change: c.1768+3A>C on transcript NM_000444.6 (MANE Select); 3 bases into the intron after coding-DNA position 1768, A replaced by C.
Molecular consequence: intron variant.
Genome position (GRCh38, 1-based): chrX:22,219,106, A>C. VCF-style: chrX-22219106-A-C. GRCh37 (hg19) VCF-style: chrX-22237223-A-C.
Other names: c.1768+3A>C (NM_001282754.2).
Identifiers: ClinVar variation 4819377 (VCV004819377.1).